The following is an entry in ClinVar:

NM_153026.3(PRICKLE1):c.1036T>C (p.Cys346Arg)

Genes: PRICKLE1 (prickle planar cell polarity protein 1; minus strand), LOC126861509 (BRD4-independent group 4 enhancer GRCh37_chr12:42858567-42859766; plus strand). Cytogenetic location: 12q12.
Variant type: single nucleotide variant.
Coding change: c.1036T>C on transcript NM_153026.3 (MANE Select); coding-DNA position 1036, T replaced by C.
Protein change: p.Cys346Arg; replaces cysteine 346 with arginine.
Molecular consequence: missense variant.
Genome position (GRCh38, 1-based): chr12:42,464,998, A>G on the plus strand (T>C on the coding strand, the complement: PRICKLE1 is on the minus strand). VCF-style: chr12-42464998-A-G. GRCh37 (hg19) VCF-style: chr12-42858800-A-G.
Other names: c.1036T>C, p.Cys346Arg (NM_001144881.2, NM_001144882.2, NM_001144883.2); short protein forms C346R.
Identifiers: ClinVar variation 2085351 (VCV002085351.1), dbSNP rs772094351, ClinGen allele CA6519802.
Genomic context (GRCh38, chr12:42,464,998, plus strand): 5'-TGCCTGAGAGGCCAGGAAACTTGTAGTTCAGAGCAGGCGATAAGAGGAGAGACTGTCTAC[A>G]CTGATCTGCTGACCGGCTGCTCTTGCCCATTCGGACACTTCTTCGGGAGTCTCTTGATCG-3'
Protein context (NP_694571.2, residues 336-356): MGKSSRSADQ[Cys346Arg]RQSLLLSPAL

ClinVar aggregate classification (germline): Uncertain significance (1 of 4 stars; one submission).

Conditions:
Epilepsy, progressive myoclonic, 1B. Also called: PME. Identifiers: Orphanet 308, MedGen C2676254, MONDO:0012904, OMIM 612437.

Allele frequency attached by ClinVar (database versions not stated): gnomAD exomes below 0.00001; ExAC 0.00001; TOPMed 0.00001.
gnomAD v4.1: 2 of 1,610,808 alleles (0.00012%); highest among the groups gnomAD compares: Non-Finnish European, 0.00017%; no homozygotes.

Submission:

Labcorp Genetics (formerly Invitae), Labcorp
Classification: Uncertain significance for Epilepsy, progressive myoclonic, 1B. Last evaluated: 2022-09-27. Review status: criteria provided, single submitter. Criteria: Invitae Variant Classification Sherloc (09022015). Collection method: clinical testing. Allele origin: germline.
Comment: This sequence change replaces cysteine, which is neutral and slightly polar, with arginine, which is basic and polar, at codon 346 of the PRICKLE1 protein (p.Cys346Arg). This variant is present in population databases (rs772094351, gnomAD 0.0009%). This variant has not been reported in the literature in individuals affected with PRICKLE1-related conditions. Advanced modeling of protein sequence and biophysical properties (such as structural, functional, and spatial information, amino acid conservation, physicochemical variation, residue mobility, and thermodynamic stability) performed at Invitae indicates that this missense variant is not expected to disrupt PRICKLE1 protein function. In summary, the available evidence is currently insufficient to determine the role of this variant in disease. Therefore, it has been classified as a Variant of Uncertain Significance.